The following is an entry in ClinVar:

NM_017890.5(VPS13B):c.4197T>C (p.Gly1399=)

Gene: VPS13B (vacuolar protein sorting 13 homolog B; plus strand). Cytogenetic location: 8q22.2.
Variant type: single nucleotide variant.
Coding change: c.4197T>C on transcript NM_017890.5 (MANE Plus Clinical); coding-DNA position 4197, T replaced by C.
Protein change: p.Gly1399=; no amino-acid change (glycine 1399 retained).
Molecular consequence: synonymous variant. On other transcripts: intron variant (1).
Genome position (GRCh38, 1-based): chr8:99,507,809, T>C. VCF-style: chr8-99507809-T-C. GRCh37 (hg19) VCF-style: chr8-100520037-T-C.
Other names: p.Gly1399=; c.4224+606T>C (NM_152564.5).
Identifiers: ClinVar variation 95852 (VCV000095852.29), dbSNP rs149796549, ClinGen allele CA148945.

ClinVar aggregate classification (germline): Benign/Likely benign. Review status: criteria provided, multiple submitters, no conflicts (2 of 4 stars). 11 submissions from 11 submitters: Benign (7); Likely benign (3). 1 of the submissions does not count toward it. Last evaluated 2026-02-03.

Conditions:
Inborn genetic diseases. Identifiers: MedGen C0950123, MeSH D030342.
Cohen syndrome (COH1). Also called: PEPPER SYNDROME; Cutis verticis gyrata, retinitis pigmentosa, and sensorineural deafness. Identifiers: Orphanet 193, MedGen C0265223, MONDO:0008999, OMIM 216550.

Allele frequency attached by ClinVar (database versions not stated): ESP Exome Variant Server 0.00069; gnomAD exomes 0.00221 and 0.01044; gnomAD 0.00530 and 0.00535; 1000 Genomes Project 0.00639; 1000 Genomes Project 30x 0.00671; ExAC 0.00763; TOPMed 0.00943.
gnomAD v4.1: 4,029 of 1,613,908 alleles (0.25%); highest among the groups gnomAD compares: Admixed American, 6.3%; 147 homozygotes.

Submissions (11):

Labcorp Genetics (formerly Invitae), Labcorp
Classification: Benign for Cohen syndrome. Last evaluated: 2026-02-03. Review status: criteria provided, single submitter. Criteria: Invitae Variant Classification Sherloc (09022015). Collection method: clinical testing. Allele origin: germline.

Women's Health and Genetics/Laboratory Corporation of America, LabCorp
Classification: Benign. Last evaluated: 2026-01-22. Review status: criteria provided, single submitter. Criteria: LabCorp Variant Classification Summary - May 2015. Collection method: clinical testing. Allele origin: germline.

Blueprint Genetics
Classification: Likely benign. Last evaluated: 2024-11-25. Review status: criteria provided, single submitter. Criteria: ACMG Guidelines, 2015. Collection method: clinical testing. Allele origin: germline.

Athena Diagnostics
Classification: Benign. Last evaluated: 2024-07-02. Review status: criteria provided, single submitter. Criteria: Athena Diagnostics Criteria. Collection method: clinical testing. Allele origin: unknown.

Mayo Clinic Laboratories, Mayo Clinic
Classification: Benign. Last evaluated: 2018-11-01. Review status: criteria provided, single submitter. Criteria: ACMG Guidelines, 2015. Collection method: clinical testing. Allele origin: germline. Observed: 20 variant alleles.

Illumina Laboratory Services, Illumina
Classification: Likely benign for Cohen syndrome. Last evaluated: 2017-04-27. Review status: criteria provided, single submitter. Criteria: ICSL Variant Classification Criteria 13 December 2019. Collection method: clinical testing. Allele origin: germline.
Comment: This variant was observed as part of a predisposition screen in an ostensibly healthy population. A literature search was performed for the gene, cDNA change, and amino acid change (where applicable). No publications were found based on this search. Allele frequency data from public databases allowed determination this variant is unlikely to cause disease. Therefore, this variant is classified as likely benign.

Ambry Genetics
Classification: Benign for Inborn genetic diseases. Last evaluated: 2016-04-14. Review status: criteria provided, single submitter. Criteria: Ambry Variant Classification Scheme 2023. Collection method: clinical testing. Allele origin: germline.

GeneDx
Classification: Benign. Last evaluated: 2015-11-09. Review status: criteria provided, single submitter. Criteria: GeneDx Variant Classification (06012015). Collection method: clinical testing. Allele origin: germline. Affected: yes.
Comment: This variant is considered likely benign or benign based on one or more of the following criteria: it is a conservative change, it occurs at a poorly conserved position in the protein, it is predicted to be benign by multiple in silico algorithms, and/or has population frequency not consistent with disease.

Eurofins Ntd Llc (ga)
Classification: Benign. Last evaluated: 2013-11-27. Review status: criteria provided, single submitter. Criteria: EGL Classification Definitions 2015. Collection method: clinical testing. Allele origin: germline. Observed: 6 variant alleles, 6 heterozygotes.

Breakthrough Genomics
Classification: Likely benign. Review status: criteria provided, single submitter. Criteria: ACMG Guidelines, 2015. Collection method: not provided. Allele origin: germline. Inheritance: Autosomal recessive inheritance. Affected: yes.

Natera, Inc.
Classification: Benign for Cohen syndrome. Last evaluated: 2020-09-16. Review status: no assertion criteria provided. Collection method: clinical testing. Allele origin: germline. Not counted in ClinVar's aggregate classification.